The following is an entry in ClinVar:

NM_019032.6(ADAMTSL4):c.2223C>T (p.Pro741=)

Gene: ADAMTSL4 (ADAMTS like 4; plus strand). Cytogenetic location: 1q21.2.
Variant type: single nucleotide variant.
Coding change: c.2223C>T on transcript NM_019032.6 (MANE Select); coding-DNA position 2223, C replaced by T.
Protein change: p.Pro741=; no amino-acid change (proline 741 retained).
Molecular consequence: synonymous variant.
Genome position (GRCh38, 1-based): chr1:150,557,990, C>T. VCF-style: chr1-150557990-C-T. GRCh37 (hg19) VCF-style: chr1-150530466-C-T.
Other names: c.2106C>T, p.Pro702= (NM_001288607.2); c.2292C>T, p.Pro764= (NM_001288608.2); c.2223C>T, p.Pro741= (NM_001378596.1, NM_025008.5).
Identifiers: ClinVar variation 292547 (VCV000292547.36), dbSNP rs587696191, ClinGen allele CA1078589.
Genomic context (GRCh38, chr1:150,557,990, plus strand): 5'-TGCTGGTGCCTGCAGCTGGGAGGCTGGCGAGTGGACATCCTGCAGCCGCTCCTGTGGCCC[C>T]GGCACCCAGCACCGCCAGCTGCAGTGCCGGCAGGAATTTGGGGGGGGTGGCTCCTCGGTG-3'
Protein context (NP_061905.2, residues 731-751): EWTSCSRSCG[Pro741=]GTQHRQLQCR

ClinVar aggregate classification (germline): Conflicting classifications of pathogenicity. Review status: criteria provided, conflicting classifications (1 of 4 stars). 3 submissions from 3 submitters: Uncertain significance (1); Likely benign (2). Last evaluated 2026-02-04.

Conditions:
Ectopia lentis 2, isolated, autosomal recessive (ECTOL2). Identifiers: Orphanet 1885, MedGen C3541474, MONDO:0009152, OMIM 225100.

Allele frequency attached by ClinVar (database versions not stated): 1000 Genomes Project 30x 0.00016; 1000 Genomes Project 0.00020; gnomAD 0.00023 and 0.00024; TOPMed 0.00032.
gnomAD v4.1: 514 of 1,611,536 alleles (0.032%); highest among the groups gnomAD compares: Middle Eastern, 0.052%; no homozygotes.

Submissions (3):

Labcorp Genetics (formerly Invitae), Labcorp
Classification: Likely benign. Last evaluated: 2026-02-04. Review status: criteria provided, single submitter. Criteria: Invitae Variant Classification Sherloc (09022015). Collection method: clinical testing. Allele origin: germline.

CeGaT Center for Human Genetics Tuebingen
Classification: Likely benign. Last evaluated: 2023-01-01. Review status: criteria provided, single submitter. Criteria: CeGaT Center For Human Genetics Tuebingen Variant Classification Criteria Version 2. Collection method: clinical testing. Allele origin: germline. Affected: yes. Observed: 1 variant allele.
Comment: ADAMTSL4: BP4, BP7

Illumina Laboratory Services, Illumina
Classification: Uncertain significance for Ectopia lentis 2, isolated, autosomal recessive. Last evaluated: 2018-01-13. Review status: criteria provided, single submitter. Criteria: ICSL Variant Classification Criteria 13 December 2019. Collection method: clinical testing. Allele origin: germline.